The following is an entry in ClinVar:

ClinVar aggregate classification (germline): Likely benign (1 of 4 stars; one submission).

Allele frequency attached by ClinVar (database versions not stated): 1000 Genomes Project 30x 0.00016; 1000 Genomes Project 0.00020; TOPMed 0.00026; gnomAD 0.00027; gnomAD exomes 0.00030; ESP Exome Variant Server 0.00038; ExAC 0.00046.
gnomAD v4.1: 493 of 1,614,004 alleles (0.031%); highest among the groups gnomAD compares: Non-Finnish European, 0.024%; no homozygotes.

Submission:

CeGaT Center for Human Genetics Tuebingen
Classification: Likely benign. Last evaluated: 2023-04-01. Review status: criteria provided, single submitter. Criteria: CeGaT Center For Human Genetics Tuebingen Variant Classification Criteria Version 2. Collection method: clinical testing. Allele origin: germline. Affected: yes. Observed: 1 variant allele.
Comment: MAPK3: BP4, BP7

NM_002746.3(MAPK3):c.651G>T (p.Leu217=)

Gene: MAPK3 (mitogen-activated protein kinase 3; minus strand). Cytogenetic location: 16p11.2.
Variant type: single nucleotide variant.
Coding change: c.651G>T on transcript NM_002746.3 (MANE Select); coding-DNA position 651, G replaced by T.
Protein change: p.Leu217=; no amino-acid change (leucine 217 retained).
Molecular consequence: synonymous variant.
Genome position (GRCh38, 1-based): chr16:30,118,056, C>A on the plus strand (G>T on the coding strand, the complement: MAPK3 is on the minus strand). VCF-style: chr16-30118056-C-A. GRCh37 (hg19) VCF-style: chr16-30129377-C-A.
Other names: c.651G>T, p.Leu217= (NM_001040056.3, NM_001109891.2).
Identifiers: ClinVar variation 2646380 (VCV002646380.24), dbSNP rs139957276, ClinGen allele CA8002811.